The following is an entry in ClinVar:

ClinVar aggregate classification (germline): Pathogenic (1 of 4 stars; one submission).

Conditions:
Hypoparathyroidism, deafness, renal disease syndrome (HDRS). Also called: HYPOPARATHYROIDISM, SENSORINEURAL DEAFNESS, AND RENAL DYSPLASIA SYNDROME. Identifiers: Orphanet 2237, MedGen C1840333, MONDO:0007797, OMIM 146255.

Submission:

Victorian Clinical Genetics Services, Murdoch Childrens Research Institute
Classification: Pathogenic for Hypoparathyroidism, deafness, renal disease syndrome. Last evaluated: 2018-12-27. Review status: criteria provided, single submitter. Criteria: ACMG Guidelines, 2015. Collection method: clinical testing. Allele origin: unknown. Affected: yes.
Comment: A heterozygous missense variant, NM_001002295.1(GATA3):c.790T>A, has been identified in exon 4 of 6 of the GATA3 gene. The variant is predicted to result in a major amino acid change from cysteine to serine at position 264 of the protein (NP_001002295.1(GATA3):p.(Cys264Ser)). The cysteine residue at this position has very high conservation (100 vertebrates, UCSC), and is located within the zinc finger domain. In silico predictions for this variant are consistently pathogenic (Polyphen, SIFT, CADD, Mutation Taster). The variant is absent in population databases (gnomAD). An alternative residue change has been reported in the gnomAD database at a frequency of 0.0004%. This variant has not been previously reported in clinical cases. A different variant in the same codon resulting in a change to arginine has been classified as likely pathogenic (ClinVar). Subsequent analysis of parental samples indicated this variant to be de novo. Based on the information available at the time of curation, this variant has been classified as PATHOGENIC. NB: This variant has been reclassified as pathogenic due to de novo status.

NM_001002295.2(GATA3):c.790T>A (p.Cys264Ser)

Gene: GATA3 (GATA binding protein 3; plus strand). Cytogenetic location: 10p14.
Variant type: single nucleotide variant.
Coding change: c.790T>A on transcript NM_001002295.2 (MANE Select); coding-DNA position 790, T replaced by A.
Protein change: p.Cys264Ser; replaces cysteine 264 with serine.
Molecular consequence: missense variant.
Genome position (GRCh38, 1-based): chr10:8,064,004, T>A. VCF-style: chr10-8064004-T-A. GRCh37 (hg19) VCF-style: chr10-8105967-T-A.
Other names: c.787T>A, p.Cys263Ser (NM_002051.3); short protein forms C263S, C264S.
Identifiers: ClinVar variation 975096 (VCV000975096.3), dbSNP rs767074039, ClinGen allele CA375973395.